The following is an entry in ClinVar:

ClinVar aggregate classification (germline): Pathogenic/Likely pathogenic. Review status: criteria provided, multiple submitters, no conflicts (2 of 4 stars). 9 submissions from 9 submitters: Pathogenic (7); Likely pathogenic (1). 1 of the submissions does not count toward it. Last evaluated 2026-05-13.

Conditions:
Autosomal dominant polycystic liver disease. Also called: Polycystic liver disease; Congenital cystic disease of liver. Identifiers: Orphanet 2924, MedGen C0158683, MONDO:0000447, HP:0006557.
Polycystic liver disease 1 (PCLD1). Also called: Polycystic liver disease 1 with or without kidney cysts. Identifiers: Orphanet 2924, MedGen C0887850, MONDO:0008265, OMIM 174050.
PRKCSH-related disorder. Also called: PRKCSH-related condition.

Submissions (9):

PreventionGenetics, part of Exact Sciences
Classification: Pathogenic for PRKCSH-related condition. Last evaluated: 2026-05-13. Review status: criteria provided, single submitter. Criteria: ACMG Guidelines, 2015. Collection method: clinical testing. Allele origin: germline.
Comment: The PRKCSH c.374_375delAG variant is predicted to result in a frameshift and premature protein termination (p.Glu125Valfs*21). This variant has been reported in multiple unrelated individuals with autosomal dominant polycystic liver disease (ADPLD) (Drenth et al. 2004. PubMed ID: 15057895; Supplemental Table 1, Besse et al. 2017. PubMed ID: 28375157; Table 1, Wang et al. 2021. PubMed ID: 33569422). This variant is reported in 0.0054% of alleles in individuals of East Asian descent in gnomAD. Frameshift variants in PRKCSH are expected to be pathogenic. This variant is interpreted as pathogenic.

Victorian Clinical Genetics Services, Murdoch Childrens Research Institute
Classification: Pathogenic for Polycystic liver disease 1. Last evaluated: 2024-10-11. Review status: criteria provided, single submitter. Criteria: ACMG Guidelines, 2015. Collection method: clinical testing. Allele origin: germline. Inheritance: Autosomal dominant inheritance. Affected: yes.
Comment: Based on the classification scheme VCGS_Germline_v1.3.5, this variant is classified as Pathogenic. Following criteria are met: 0102 - Loss of function is a known mechanism of disease in this gene and is associated with polycystic liver disease 1 (MIM#174050). (I) 0107 - This gene is associated with autosomal dominant disease. (I) 0201 - Variant is predicted to cause nonsense-mediated decay (NMD) and loss of protein (premature termination codon is located at least 54 nucleotides upstream of the final exon-exon junction). (SP) 0251 - This variant is heterozygous. (I) 0302 - Variant is present in gnomAD (v4) <0.001 for a dominant condition (5 heterozygotes, 0 homozygotes). (SP) 0701 - Other NMD-predicted variants comparable to the one identified in this case have very strong previous evidence for pathogenicity (DECIPHER). (SP) 0801 - This variant has strong previous evidence of pathogenicity in unrelated individuals. This variant has been classified as pathogenic by multiple clinical laboratories in ClinVar and has been observed in at least one individual with polycystic liver disease and renal cysts (PMID: 33569422). (SP) 1208 - Inheritance information for this variant is not currently available in this individual. (I) Legend: (SP) - Supporting pathogenic, (I) - Information, (SB) - Supporting benign

Labcorp Genetics (formerly Invitae), Labcorp
Classification: Pathogenic. Last evaluated: 2024-08-08. Review status: criteria provided, single submitter. Criteria: Invitae Variant Classification Sherloc (09022015). Collection method: clinical testing. Allele origin: germline.
Comment: This sequence change creates a premature translational stop signal (p.Glu125Valfs*21) in the PRKCSH gene. It is expected to result in an absent or disrupted protein product. Loss-of-function variants in PRKCSH are known to be pathogenic (PMID: 12529853, 12577059, 20095989). This variant is present in population databases (rs779685748, gnomAD 0.006%). This premature translational stop signal has been observed in individual(s) with polycystic liver disease (PMID: 15057895, 33569422). ClinVar contains an entry for this variant (Variation ID: 1048653). For these reasons, this variant has been classified as Pathogenic.

CeGaT Center for Human Genetics Tuebingen
Classification: Pathogenic. Last evaluated: 2024-07-01. Review status: criteria provided, single submitter. Criteria: CeGaT Center For Human Genetics Tuebingen Variant Classification Criteria Version 2. Collection method: clinical testing. Allele origin: germline. Affected: yes. Observed: 1 variant allele.
Comment: PRKCSH: PVS1, PS4:Moderate, PM2:Supporting

Molecular Genetics, Royal Melbourne Hospital
Classification: Pathogenic for Polycystic liver disease 1. Last evaluated: 2022-08-04. Review status: criteria provided, single submitter. Criteria: ACMG Guidelines, 2015. Collection method: clinical testing. Allele origin: germline. Affected: yes.
Comment: This sequence change in PRKCSH is a frameshift variant predicted to cause a premature stop codon, p.(Glu125Valfs*21), in biologically relevant exon 6/18 leading to nonsense-mediated decay in a gene in which loss-of-function is an established disease mechanism (PMID: 12529853, 21685914). The highest population minor allele frequency in gnomAD v2.1 is 0.005% (1/18,394 alleles) in the East Asian population, which is a credible allele frequency for this gene. This variant has been reported in at least five probands with polycystic liver disease (PMID: 28375157). Based on the classification scheme RMH Modified ACMG Guidelines v1.5.1, this variant is classified as PATHOGENIC. Following criteria are met: PVS1, PS4_Supporting, PM2_Supporting.

Fulgent Genetics
Classification: Pathogenic for Polycystic liver disease 1. Last evaluated: 2021-12-10. Review status: criteria provided, single submitter. Criteria: ACMG Guidelines, 2015. Collection method: clinical testing. Allele origin: unknown.

MVZ Martinsried, Medicover Genetics
Classification: Pathogenic for Polycystic liver disease 1. Last evaluated: 2021-01-07. Review status: criteria provided, single submitter. Criteria: ACGS Guidelines, 2020. Collection method: clinical testing. Allele origin: unknown. Affected: yes.

Clinical Genetics Service, Universitary Hospital 12 de Octubre
Classification: Likely pathogenic for Polycystic liver disease 1. Review status: criteria provided, single submitter. Criteria: ACMG Guidelines, 2015. Collection method: clinical testing. Allele origin: germline. Affected: yes.

Laboratory of Gastroenterology and Hepatology, Radboud University Medical Center
Classification: Pathogenic for Autosomal dominant polycystic liver disease. Last evaluated: 2021-09-01. Review status: no assertion criteria provided. Collection method: research. Allele origin: germline. Affected: yes. Not counted in ClinVar's aggregate classification.

Literature cited by the submitters: PubMed 33569422 (cited by Victorian Clinical Genetics Services, Murdoch Childrens Research Institute and Labcorp Genetics (formerly Invitae), Labcorp); PubMed 12529853 (cited by Labcorp Genetics (formerly Invitae), Labcorp and Molecular Genetics, Royal Melbourne Hospital); PubMed 12577059 (cited by Labcorp Genetics (formerly Invitae), Labcorp); PubMed 20095989 (cited by Labcorp Genetics (formerly Invitae), Labcorp); PubMed 15057895 (cited by Labcorp Genetics (formerly Invitae), Labcorp); PubMed 21685914 (cited by Molecular Genetics, Royal Melbourne Hospital); PubMed 28375157 (cited by Molecular Genetics, Royal Melbourne Hospital).

NM_001289104.2(PRKCSH):c.374_375del (p.Glu125fs)

Gene: PRKCSH (PRKCSH beta subunit of glucosidase II; plus strand). Cytogenetic location: 19p13.2.
Variant type: Microsatellite.
Coding change: c.374_375del on transcript NM_001289104.2 (MANE Select); coding-DNA positions 374 to 375, 2 bases deleted (AG; older notation c.374_375delAG).
Protein change: p.Glu125fs; shifts the reading frame from glutamic acid 125.
Molecular consequence: frameshift variant.
Genome position (GRCh38, 1-based): chr19:11,441,263-11,441,264, AG deleted; deleting any 2 consecutive bases within chr19:11,441,256-11,441,264 gives the same sequence; the c. name uses the placement nearest the transcript's 3' end. VCF-style (leftmost placement, unchanged base first): chr19-11441255-GGA-G. GRCh37 (hg19) VCF-style: chr19-11552070-GGA-G.
Other names: c.374_375del, p.Glu125fs (NM_001001329.3, NM_001289102.2, NM_001289103.2 and 3 more transcripts); c.374_375delAG (NM_002743.3, NM_001289104.1, NM_001289104.2); short protein forms E125fs.
Identifiers: ClinVar variation 1048653 (VCV001048653.53), dbSNP rs779685748, ClinGen allele CA9212830.